The following is an entry in ClinVar:

ClinVar aggregate classification (germline): Likely benign. Review status: criteria provided, multiple submitters, no conflicts (2 of 4 stars). 4 submissions from 4 submitters: Likely benign (4). Last evaluated 2026-01-05.

Conditions:
Hereditary spastic paraplegia. Also called: Familial spastic paraparesis. Identifiers: Orphanet 685, MedGen C0037773, MONDO:0019064. Disease mechanism: loss of function.
Spastic paraplegia. Identifiers: MedGen C0037772, HP:0001258.

Allele frequency attached by ClinVar (database versions not stated): ExAC 0.00005; ESP Exome Variant Server 0.00008; gnomAD 0.00011; TOPMed 0.00012; 1000 Genomes Project 30x 0.00016.
gnomAD v4.1: 279 of 1,613,704 alleles (0.017%); highest among the groups gnomAD compares: Non-Finnish European, 0.022%; no homozygotes.

Submissions (4):

Labcorp Genetics (formerly Invitae), Labcorp
Classification: Likely benign for Spastic paraplegia. Last evaluated: 2026-01-05. Review status: criteria provided, single submitter. Criteria: Invitae Variant Classification Sherloc (09022015). Collection method: clinical testing. Allele origin: germline.

Genome Diagnostics Laboratory, The Hospital for Sick Children
Classification: Likely benign for Hereditary spastic paraplegia. Last evaluated: 2017-10-02. Review status: criteria provided, single submitter. Criteria: ACMG Guidelines, 2015. Collection method: clinical testing. Allele origin: germline. Affected: yes.

GeneDx
Classification: Likely benign. Last evaluated: 2016-11-15. Review status: criteria provided, single submitter. Criteria: GeneDx Variant Classification (06012015). Collection method: clinical testing. Allele origin: germline. Affected: yes.
Comment: This variant is considered likely benign or benign based on one or more of the following criteria: it is a conservative change, it occurs at a poorly conserved position in the protein, it is predicted to be benign by multiple in silico algorithms, and/or has population frequency not consistent with disease.

Breakthrough Genomics
Classification: Likely benign. Review status: criteria provided, single submitter. Criteria: ACMG Guidelines, 2015. Collection method: not provided. Allele origin: germline. Inheritance: Autosomal recessive inheritance. Affected: yes.

NM_002156.5(HSPD1):c.1488A>G (p.Gln496=)

Gene: HSPD1 (heat shock protein family D (Hsp60) member 1; minus strand). Cytogenetic location: 2q33.1.
Variant type: single nucleotide variant.
Coding change: c.1488A>G on transcript NM_002156.5 (MANE Select); coding-DNA position 1488, A replaced by G.
Protein change: p.Gln496=; no amino-acid change (glutamine 496 retained).
Molecular consequence: synonymous variant.
Genome position (GRCh38, 1-based): chr2:197,487,939, T>C on the plus strand (A>G on the coding strand, the complement: HSPD1 is on the minus strand). VCF-style: chr2-197487939-T-C. GRCh37 (hg19) VCF-style: chr2-198352663-T-C.
Other names: c.1488A>G, p.Gln496= (NM_199440.2).
Identifiers: ClinVar variation 390700 (VCV000390700.13), dbSNP rs142434256, ClinGen allele CA2043352.